The following is an entry in ClinVar:

NM_139321.3(ATRN):c.1190T>C (p.Leu397Ser)

Gene: ATRN (attractin; plus strand). Cytogenetic location: 20p13.
Variant type: single nucleotide variant.
Coding change: c.1190T>C on transcript NM_139321.3 (MANE Select); coding-DNA position 1190, T replaced by C.
Protein change: p.Leu397Ser; replaces leucine 397 with serine.
Molecular consequence: missense variant.
Genome position (GRCh38, 1-based): chr20:3,559,470, T>C. VCF-style: chr20-3559470-T-C. GRCh37 (hg19) VCF-style: chr20-3540117-T-C.
Other names: c.842T>C, p.Leu281Ser (NM_001207047.3); c.1190T>C, p.Leu397Ser (NM_001323332.2, NM_139322.4); short protein forms L397S, L281S.
Identifiers: ClinVar variation 3132130 (VCV003132130.4), dbSNP rs148562814, ClinGen allele CA9743990.
Genomic context (GRCh38, chr20:3,559,470, plus strand): 5'-GGGAGTGGCTTCCACTAAACCGTTCTGTGAACAATGTGGTTGTTAGATATGGTCATTCTT[T>C]GGCATTATACAAGGTAAAGCATCTCCACTCTGTGCTAAGCAAGAAACTAAGTTTTCCTCA-3'
Protein context (NP_647537.1, residues 387-407): NNVVVRYGHS[Leu397Ser]ALYKDKIYMY

ClinVar aggregate classification (germline): Uncertain significance. Review status: criteria provided, multiple submitters, no conflicts (2 of 4 stars). 2 submissions from 2 submitters: Uncertain significance (2). Last evaluated 2025-10-21.

Allele frequency attached by ClinVar (database versions not stated): gnomAD exomes 0.00001; ExAC 0.00004; gnomAD 0.00007; TOPMed 0.00011; ESP Exome Variant Server 0.00023.
gnomAD v4.1: 31 of 1,613,462 alleles (0.0019%); highest among the groups gnomAD compares: African/African-American, 0.031%; no homozygotes.

Submissions (2):

Ambry Genetics
Classification: Uncertain significance. Last evaluated: 2025-10-21. Review status: criteria provided, single submitter. Criteria: Ambry Variant Classification Scheme 2023. Collection method: clinical testing. Allele origin: germline.

Labcorp Genetics (formerly Invitae), Labcorp
Classification: Uncertain significance. Last evaluated: 2024-10-25. Review status: criteria provided, single submitter. Criteria: Invitae Variant Classification Sherloc (09022015). Collection method: clinical testing. Allele origin: germline.
Comment: This sequence change replaces leucine, which is neutral and non-polar, with serine, which is neutral and polar, at codon 397 of the ATRN protein (p.Leu397Ser). This variant is present in population databases (rs148562814, gnomAD 0.05%). This variant has not been reported in the literature in individuals affected with ATRN-related conditions. An algorithm developed to predict the effect of missense changes on protein structure and function (PolyPhen-2) suggests that this variant is likely to be disruptive. In summary, the available evidence is currently insufficient to determine the role of this variant in disease. Therefore, it has been classified as a Variant of Uncertain Significance.